The following is an entry in ClinVar:

NM_015909.4(NBAS):c.540C>T (p.Ser180=)

Gene: NBAS (NBAS subunit of NRZ tethering complex; minus strand). Cytogenetic location: 2p24.3.
Variant type: single nucleotide variant.
Coding change: c.540C>T on transcript NM_015909.4 (MANE Select); coding-DNA position 540, C replaced by T.
Protein change: p.Ser180=; no amino-acid change (serine 180 retained).
Molecular consequence: synonymous variant. On other transcripts: non-coding transcript variant (1).
Genome position (GRCh38, 1-based): chr2:15,536,525, G>A on the plus strand (C>T on the coding strand, the complement: NBAS is on the minus strand). VCF-style: chr2-15536525-G-A. GRCh37 (hg19) VCF-style: chr2-15676649-G-A.
Other names: c.540C>T (NM_015909.3).
Identifiers: ClinVar variation 1328009 (VCV001328009.9), dbSNP rs202027230, ClinGen allele CA1536991.

ClinVar aggregate classification (germline): Likely benign. Review status: criteria provided, single submitter (1 of 4 stars). 4 submissions from 4 submitters: Likely benign (1). 3 of the submissions do not count toward it. Last evaluated 2025-12-17.

Conditions:
NBAS-related disorder. Also called: NBAS-related condition.

Allele frequency attached by ClinVar (database versions not stated): ESP Exome Variant Server 0.00008.
gnomAD v4.1: 21 of 1,611,302 alleles (0.0013%); highest among the groups gnomAD compares: African/African-American, 0.021%; no homozygotes.

Submissions (4):

Labcorp Genetics (formerly Invitae), Labcorp
Classification: Likely benign. Last evaluated: 2025-12-17. Review status: criteria provided, single submitter. Criteria: Invitae Variant Classification Sherloc (09022015). Collection method: clinical testing. Allele origin: germline.

PreventionGenetics, part of Exact Sciences
Classification: Likely benign for NBAS-related condition. Last evaluated: 2023-06-08. Review status: no assertion criteria provided. Collection method: clinical testing. Allele origin: germline. Not counted in ClinVar's aggregate classification.
Comment: This variant is classified as likely benign based on ACMG/AMP sequence variant interpretation guidelines (Richards et al. 2015 PMID: 25741868, with internal and published modifications).

Clinical Genetics DNA and cytogenetics Diagnostics Lab, Erasmus MC, Erasmus Medical Center
Classification: Likely benign. Review status: no assertion criteria provided. Collection method: clinical testing. Allele origin: germline. Affected: yes. Study: VKGL Data-share Consensus. Not counted in ClinVar's aggregate classification.

Genome Diagnostics Laboratory, University Medical Center Utrecht
Classification: Likely benign. Review status: no assertion criteria provided. Collection method: clinical testing. Allele origin: germline. Affected: yes. Study: VKGL Data-share Consensus. Not counted in ClinVar's aggregate classification.